The following is an entry in ClinVar:

NM_006929.5(SKIC2):c.2786C>T (p.Thr929Ile)

Gene: SKIC2 (SKI2 subunit of superkiller complex; plus strand). Cytogenetic location: 6p21.33.
Variant type: single nucleotide variant.
Coding change: c.2786C>T on transcript NM_006929.5 (MANE Select); coding-DNA position 2786, C replaced by T.
Protein change: p.Thr929Ile; replaces threonine 929 with isoleucine.
Molecular consequence: missense variant.
Genome position (GRCh38, 1-based): chr6:31,968,010, C>T. VCF-style: chr6-31968010-C-T. GRCh37 (hg19) VCF-style: chr6-31935787-C-T.
Other names: c.2786C>T (NM_006929.4); short protein forms T929I.
Identifiers: ClinVar variation 1440996 (VCV001440996.5), dbSNP rs759087987, ClinGen allele CA3729873.

ClinVar aggregate classification (germline): Uncertain significance. Review status: criteria provided, multiple submitters, no conflicts (2 of 4 stars). 2 submissions from 2 submitters: Uncertain significance (2). Last evaluated 2025-11-03.

Conditions:
Inborn genetic diseases. Identifiers: MedGen C0950123, MeSH D030342.

Allele frequency attached by ClinVar (database versions not stated): gnomAD exomes 0.00001; TOPMed 0.00002; ExAC 0.00003.
gnomAD v4.1: 12 of 1,613,050 alleles (0.00074%); highest among the groups gnomAD compares: Non-Finnish European, 0.001%; no homozygotes.

Submissions (2):

Labcorp Genetics (formerly Invitae), Labcorp
Classification: Uncertain significance. Last evaluated: 2025-11-03. Review status: criteria provided, single submitter. Criteria: Invitae Variant Classification Sherloc (09022015). Collection method: clinical testing. Allele origin: germline.
Comment: This sequence change replaces threonine, which is neutral and polar, with isoleucine, which is neutral and non-polar, at codon 929 of the SKIV2L protein (p.Thr929Ile). This variant is present in population databases (rs759087987, gnomAD 0.003%). This variant has not been reported in the literature in individuals affected with SKIV2L-related conditions. ClinVar contains an entry for this variant (Variation ID: 1440996). An algorithm developed to predict the effect of missense changes on protein structure and function (PolyPhen-2) suggests that this variant is likely to be disruptive. In summary, the available evidence is currently insufficient to determine the role of this variant in disease. Therefore, it has been classified as a Variant of Uncertain Significance.

Ambry Genetics
Classification: Uncertain significance for Inborn genetic diseases. Last evaluated: 2023-07-14. Review status: criteria provided, single submitter. Criteria: Ambry Variant Classification Scheme 2023. Collection method: clinical testing. Allele origin: germline.